The following is an entry in ClinVar:

ClinVar aggregate classification (germline): Uncertain significance (1 of 4 stars; one submission).

Conditions:
Trichothiodystrophy 5, nonphotosensitive (TTD5). Identifiers: Orphanet 33364, MedGen C4225420, MONDO:0010495, OMIM 300953.

Allele frequency attached by ClinVar (database versions not stated): gnomAD exomes 0.00001; TOPMed 0.00002.

Submission:

Labcorp Genetics (formerly Invitae), Labcorp
Classification: Uncertain significance. Last evaluated: 2023-03-12. Review status: criteria provided, single submitter. Criteria: Invitae Variant Classification Sherloc (09022015). Collection method: clinical testing. Allele origin: germline.
Comment: This sequence change replaces methionine, which is neutral and non-polar, with valine, which is neutral and non-polar, at codon 170 of the RNF113A protein (p.Met170Val). This variant is present in population databases (no rsID available, gnomAD 0.002%). This variant has not been reported in the literature in individuals affected with RNF113A-related conditions. ClinVar contains an entry for this variant (Variation ID: 2417356). An algorithm developed to predict the effect of missense changes on protein structure and function (PolyPhen-2) suggests that this variant is likely to be tolerated. In summary, the available evidence is currently insufficient to determine the role of this variant in disease. Therefore, it has been classified as a Variant of Uncertain Significance.

NM_006978.3(RNF113A):c.508A>G (p.Met170Val)

Gene: RNF113A (ring finger protein 113A; minus strand). Cytogenetic location: Xq24.
Variant type: single nucleotide variant.
Coding change: c.508A>G on transcript NM_006978.3 (MANE Select); coding-DNA position 508, A replaced by G.
Protein change: p.Met170Val; replaces methionine 170 with valine.
Molecular consequence: missense variant.
Genome position (GRCh38, 1-based): chrX:119,871,106, T>C on the plus strand (A>G on the coding strand, the complement: RNF113A is on the minus strand). VCF-style: chrX-119871106-T-C. GRCh37 (hg19) VCF-style: chrX-119005069-T-C.
Other names: c.508A>G (NM_006978.2); short protein forms M170V.
Identifiers: ClinVar variation 2417356 (VCV002417356.7), dbSNP rs1159125315, ClinGen allele CA414188154.